The following is an entry in ClinVar:

Single allele

Gene: SLC26A7 (solute carrier family 26 member 7; plus strand). Cytogenetic location: 8q21.3.
Variant type: Deletion.
Identifiers: ClinVar variation 157125 (VCV000157125.2).

ClinVar aggregate classification (germline): not provided (0 of 4 stars; one submission).

Conditions:
Small for gestational age. Also called: Low birth weight. Identifiers: MedGen C0235991, HP:0001518.

Submission:

Institute of Molecular and Cell Biology, University of Tartu
No classification provided. Condition: Small for gestational age. Review status: no classification provided. Collection method: case-control. Allele origin: unknown. Affected: yes. Study: Kasak2014.
Comment: The study aimed to determine the contribution of copy number variants in the genetic etiology of normal and complicated pregnancies. The samples represented (i) maternal blood DNA drawn from healthy pregnant women during 1st or 2nd trimester and (ii) maternal and paternal blood DNA drawn at term pregnancy cases representing normal and complicated gestations (severe preeclampsia, PE; gestational diabetes, GD; small-for-gestational age newborn, SGA; large-for-gestational age newborn, LGA). We performed CNV calling based on genome-wide genotyping dataset (Illumina HumanOmniExpress-24-v1 BeadChip) by applying three algorithms, QuantiSNP, GADA (Genome Alteration Detection Algorithm) and CNstream in parallel. The acquired CNV calls were merged with HD-CNV (Hotspot Detector for Copy Number Variants) program and only the CNVs predicted by at least two programs, were considered in subsequent analysis.

Literature cited by the submitters: PubMed 25666259.